The following is an entry in ClinVar:

ClinVar aggregate classification (germline): Uncertain significance. Review status: criteria provided, multiple submitters, no conflicts (2 of 4 stars). 2 submissions from 2 submitters: Uncertain significance (2). Last evaluated 2024-09-27.

Conditions:
Inborn genetic diseases. Identifiers: MedGen C0950123, MeSH D030342.

Allele frequency attached by ClinVar (database versions not stated): TOPMed below 0.00001; gnomAD exomes 0.00002.
gnomAD v4.1: 14 of 1,614,160 alleles (0.00087%); highest among the groups gnomAD compares: Admixed American, 0.0067%; no homozygotes.

Submissions (2):

Ambry Genetics
Classification: Uncertain significance for Inborn genetic diseases. Last evaluated: 2024-09-27. Review status: criteria provided, single submitter. Criteria: Ambry Variant Classification Scheme 2023. Collection method: clinical testing. Allele origin: germline.

Labcorp Genetics (formerly Invitae), Labcorp
Classification: Uncertain significance. Last evaluated: 2022-08-21. Review status: criteria provided, single submitter. Criteria: Invitae Variant Classification Sherloc (09022015). Collection method: clinical testing. Allele origin: germline.
Comment: This sequence change replaces serine, which is neutral and polar, with leucine, which is neutral and non-polar, at codon 1117 of the FAT4 protein (p.Ser1117Leu). This variant is present in population databases (no rsID available, gnomAD 0.009%). This variant has not been reported in the literature in individuals affected with FAT4-related conditions. ClinVar contains an entry for this variant (Variation ID: 1416193). Advanced modeling of protein sequence and biophysical properties (such as structural, functional, and spatial information, amino acid conservation, physicochemical variation, residue mobility, and thermodynamic stability) performed at Invitae indicates that this missense variant is not expected to disrupt FAT4 protein function. In summary, the available evidence is currently insufficient to determine the role of this variant in disease. Therefore, it has been classified as a Variant of Uncertain Significance.

NM_001291303.3(FAT4):c.3350C>T (p.Ser1117Leu)

Gene: FAT4 (FAT atypical cadherin 4; plus strand). Cytogenetic location: 4q28.1.
Variant type: single nucleotide variant.
Coding change: c.3350C>T on transcript NM_001291303.3 (MANE Select); coding-DNA position 3350, C replaced by T.
Protein change: p.Ser1117Leu; replaces serine 1117 with leucine.
Molecular consequence: missense variant.
Genome position (GRCh38, 1-based): chr4:125,319,761, C>T. VCF-style: chr4-125319761-C-T. GRCh37 (hg19) VCF-style: chr4-126240916-C-T.
Other names: c.3350C>T, p.Ser1117Leu (NM_001291285.3, NM_024582.6); c.3350C>T (NM_024582.4); short protein forms S1117L.
Identifiers: ClinVar variation 1416193 (VCV001416193.6), dbSNP rs1228464959, ClinGen allele CA358122331.